The following is an entry in ClinVar:

NM_052947.4(ALPK2):c.970G>T (p.Asp324Tyr)

Genes: ALPK2 (alpha kinase 2; minus strand), LOC114803473 (ALPK2 eExon liver enhancer; plus strand). Cytogenetic location: 18q21.31.
Variant type: single nucleotide variant.
Coding change: c.970G>T on transcript NM_052947.4 (MANE Select); coding-DNA position 970, G replaced by T.
Protein change: p.Asp324Tyr; replaces aspartic acid 324 with tyrosine.
Molecular consequence: missense variant.
Genome position (GRCh38, 1-based): chr18:58,579,806, C>A on the plus strand (G>T on the coding strand, the complement: ALPK2 is on the minus strand). VCF-style: chr18-58579806-C-A. GRCh37 (hg19) VCF-style: chr18-56247038-C-A.
Other names: short protein forms D324Y.
Identifiers: ClinVar variation 1767947 (VCV001767947.2), dbSNP rs2518899612, ClinGen allele CA402566550.

ClinVar aggregate classification (germline): Uncertain significance (1 of 4 stars; one submission).

Submission:

Ambry Genetics
Classification: Uncertain significance. Last evaluated: 2022-05-23. Review status: criteria provided, single submitter. Criteria: Ambry Variant Classification Scheme 2023. Collection method: clinical testing. Allele origin: germline.
Comment: The p.D324Y variant (also known as c.970G>T), located in coding exon 3 of the ALPK2 gene, results from a G to T substitution at nucleotide position 970. The aspartic acid at codon 324 is replaced by tyrosine, an amino acid with highly dissimilar properties. This amino acid position is conserved. In addition, the in silico prediction for this alteration is inconclusive. Since supporting evidence is limited at this time, the clinical significance of this alteration remains unclear.